The following is an entry in ClinVar:

ClinVar aggregate classification (germline): Uncertain significance (1 of 4 stars; one submission).

Allele frequency attached by ClinVar (database versions not stated): gnomAD 0.00001; gnomAD exomes 0.00001; ExAC 0.00002; 1000 Genomes Project 30x 0.00031; 1000 Genomes Project 0.00040.
gnomAD v4.1: 14 of 1,614,050 alleles (0.00087%); highest among the groups gnomAD compares: South Asian, 0.014%; no homozygotes.

Submission:

Labcorp Genetics (formerly Invitae), Labcorp
Classification: Uncertain significance. Last evaluated: 2026-01-20. Review status: criteria provided, single submitter. Criteria: Invitae Variant Classification Sherloc (09022015). Collection method: clinical testing. Allele origin: germline.
Comment: This sequence change replaces methionine, which is neutral and non-polar, with leucine, which is neutral and non-polar, at codon 261 of the TGFB1 protein (p.Met261Leu). This variant is present in population databases (rs547881966, gnomAD 0.006%). This variant has not been reported in the literature in individuals affected with TGFB1-related conditions. ClinVar contains an entry for this variant (Variation ID: 1930104). Invitae Evidence Modeling of protein sequence and biophysical properties (such as structural, functional, and spatial information, amino acid conservation, physicochemical variation, residue mobility, and thermodynamic stability) indicates that this missense variant is not expected to disrupt TGFB1 protein function with a negative predictive value of 80%. In summary, the available evidence is currently insufficient to determine the role of this variant in disease. Therefore, it has been classified as a Variant of Uncertain Significance.

NM_000660.7(TGFB1):c.781A>T (p.Met261Leu)

Gene: TGFB1 (transforming growth factor beta 1; minus strand). Cytogenetic location: 19q13.2.
Variant type: single nucleotide variant.
Coding change: c.781A>T on transcript NM_000660.7 (MANE Select); coding-DNA position 781, A replaced by T.
Protein change: p.Met261Leu; replaces methionine 261 with leucine.
Molecular consequence: missense variant.
Genome position (GRCh38, 1-based): chr19:41,341,962, T>A on the plus strand (A>T on the coding strand, the complement: TGFB1 is on the minus strand). VCF-style: chr19-41341962-T-A. GRCh37 (hg19) VCF-style: chr19-41847867-T-A.
Other names: short protein forms M261L.
Identifiers: ClinVar variation 1930104 (VCV001930104.5), dbSNP rs547881966, ClinGen allele CA9459992.